The following is an entry in ClinVar:

ClinVar aggregate classification (germline): Uncertain significance. Review status: criteria provided, multiple submitters, no conflicts (2 of 4 stars). 2 submissions from 2 submitters: Uncertain significance (2). Last evaluated 2025-12-21.

Allele frequency attached by ClinVar (database versions not stated): gnomAD exomes below 0.00001.
gnomAD v4.1: 1 of 1,613,952 alleles (0.000062%); highest among the groups gnomAD compares: Non-Finnish European, 0.000085%; no homozygotes.

Submissions (2):

Labcorp Genetics (formerly Invitae), Labcorp
Classification: Uncertain significance. Last evaluated: 2025-12-21. Review status: criteria provided, single submitter. Criteria: Invitae Variant Classification Sherloc (09022015). Collection method: clinical testing. Allele origin: germline.
Comment: This sequence change replaces glycine, which is neutral and non-polar, with arginine, which is basic and polar, at codon 161 of the COL9A2 protein (p.Gly161Arg). This variant is not present in population databases (gnomAD no frequency). This variant has not been reported in the literature in individuals affected with COL9A2-related conditions. ClinVar contains an entry for this variant (Variation ID: 283502). Invitae Evidence Modeling of protein sequence and biophysical properties (such as structural, functional, and spatial information, amino acid conservation, physicochemical variation, residue mobility, and thermodynamic stability) indicates that this missense variant is expected to disrupt COL9A2 protein function with a positive predictive value of 95%. In summary, the available evidence is currently insufficient to determine the role of this variant in disease. Therefore, it has been classified as a Variant of Uncertain Significance.

Eurofins Ntd Llc (ga)
Classification: Uncertain significance. Last evaluated: 2015-09-22. Review status: criteria provided, single submitter. Criteria: EGL Classification Definitions 2015. Collection method: clinical testing. Allele origin: germline. Observed: 1 variant allele, 1 heterozygote.

NM_001852.4(COL9A2):c.481G>A (p.Gly161Arg)

Gene: COL9A2 (collagen type IX alpha 2 chain; minus strand). Cytogenetic location: 1p34.2.
Variant type: single nucleotide variant.
Coding change: c.481G>A on transcript NM_001852.4 (MANE Select); coding-DNA position 481, G replaced by A.
Protein change: p.Gly161Arg; replaces glycine 161 with arginine.
Molecular consequence: missense variant.
Genome position (GRCh38, 1-based): chr1:40,311,538, C>T on the plus strand (G>A on the coding strand, the complement: COL9A2 is on the minus strand). VCF-style: chr1-40311538-C-T. GRCh37 (hg19) VCF-style: chr1-40777210-C-T.
Other names: short protein forms G161R.
Identifiers: ClinVar variation 283502 (VCV000283502.6), dbSNP rs886042644, ClinGen allele CA10604514.